The following is an entry in ClinVar:

ClinVar aggregate classification (germline): Conflicting classifications of pathogenicity. Review status: criteria provided, conflicting classifications (1 of 4 stars). 2 submissions from 2 submitters: Uncertain significance (1); Likely benign (1). Last evaluated 2025-08-20.

Conditions:
FG syndrome (FGS). Identifiers: MedGen C0220769, MONDO:0002010.
Familial thoracic aortic aneurysm and aortic dissection (TAAD). Also called: Thoracic aortic aneurysms and dissections. Identifiers: Orphanet 91387, MedGen C4707243, MONDO:0019625.

Allele frequency attached by ClinVar (database versions not stated): gnomAD exomes 0.00001 and 0.00002; gnomAD 0.00003; TOPMed 0.00003.

Submissions (2):

Labcorp Genetics (formerly Invitae), Labcorp
Classification: Likely benign for FG syndrome. Last evaluated: 2025-08-20. Review status: criteria provided, single submitter. Criteria: Invitae Variant Classification Sherloc (09022015). Collection method: clinical testing. Allele origin: germline.

Ambry Genetics
Classification: Uncertain significance for Familial thoracic aortic aneurysm and aortic dissection. Last evaluated: 2016-11-11. Review status: criteria provided, single submitter. Criteria: Ambry Variant Classification Scheme 2023. Collection method: clinical testing. Allele origin: germline.
Comment: The p.D1571N variant (also known as c.4711G>A), located in coding exon 34 of the MED12 gene, results from a G to A substitution at nucleotide position 4711. The aspartic acid at codon 1571 is replaced by asparagine, an amino acid with highly similar properties. This variant was not reported in population based cohorts in the following databases: Database of Single Nucleotide Polymorphisms (dbSNP), NHLBI Exome Sequencing Project (ESP), and 1000 Genomes Project. In the ESP, this variant was not observed in 6336 samples with coverage at this position. This amino acid position is highly conserved in available vertebrate species. In addition, this alteration is predicted to be tolerated by in silico analysis. Since supporting evidence is limited at this time, the clinical significance of this variant remains unclear.

NM_005120.3(MED12):c.4711G>A (p.Asp1571Asn)

Gene: MED12 (mediator complex subunit 12; plus strand). Cytogenetic location: Xq13.1.
Variant type: single nucleotide variant.
Coding change: c.4711G>A on transcript NM_005120.3 (MANE Select); coding-DNA position 4711, G replaced by A.
Protein change: p.Asp1571Asn; replaces aspartic acid 1571 with asparagine.
Molecular consequence: missense variant.
Genome position (GRCh38, 1-based): chrX:71,134,450, G>A. VCF-style: chrX-71134450-G-A. GRCh37 (hg19) VCF-style: chrX-70354300-G-A.
Other names: short protein forms D1571N.
Identifiers: ClinVar variation 588430 (VCV000588430.13), dbSNP rs962560401, ClinGen allele CA330982602.